The following is an entry in ClinVar:

NM_018297.4(NGLY1):c.1469C>T (p.Ser490Phe)

Gene: NGLY1 (N-glycanase 1; minus strand). Cytogenetic location: 3p24.2.
Variant type: single nucleotide variant.
Coding change: c.1469C>T on transcript NM_018297.4 (MANE Select); coding-DNA position 1469, C replaced by T.
Protein change: p.Ser490Phe; replaces serine 490 with phenylalanine.
Molecular consequence: missense variant.
Genome position (GRCh38, 1-based): chr3:25,729,275, G>A on the plus strand (C>T on the coding strand, the complement: NGLY1 is on the minus strand). VCF-style: chr3-25729275-G-A. GRCh37 (hg19) VCF-style: chr3-25770766-G-A.
Other names: c.1415C>T, p.Ser472Phe (NM_001145293.2); c.1343C>T, p.Ser448Phe (NM_001145294.2); c.1469C>T, p.Ser490Phe (NM_001145295.2); short protein forms S448F, S490F, S472F.
Identifiers: ClinVar variation 474211 (VCV000474211.7), dbSNP rs144262689, ClinGen allele CA2289141.

ClinVar aggregate classification (germline): Uncertain significance. Review status: criteria provided, multiple submitters, no conflicts (2 of 4 stars). 3 submissions from 3 submitters: Uncertain significance (3). Last evaluated 2026-01-20.

Conditions:
Congenital disorder of deglycosylation 1. Also called: NGLY1-deficiency; NGLY1-Related Congenital Disorder of Deglycosylation. Identifiers: Orphanet 404454, MedGen CN306977, MONDO:0800044, OMIM 615273.
Congenital disorder of deglycosylation (CDDG). Identifiers: MedGen C3808991, MONDO:0031376.

Allele frequency attached by ClinVar (database versions not stated): gnomAD exomes 0.00005; gnomAD 0.00006; TOPMed 0.00007; ExAC 0.00008; 1000 Genomes Project 30x 0.00031; 1000 Genomes Project 0.00040.
gnomAD v4.1: 47 of 1,489,552 alleles (0.0032%); highest among the groups gnomAD compares: Middle Eastern, 0.036%; no homozygotes.

Submissions (3):

Labcorp Genetics (formerly Invitae), Labcorp
Classification: Uncertain significance for Congenital disorder of deglycosylation. Last evaluated: 2026-01-20. Review status: criteria provided, single submitter. Criteria: Invitae Variant Classification Sherloc (09022015). Collection method: clinical testing. Allele origin: germline.
Comment: This sequence change replaces serine, which is neutral and polar, with phenylalanine, which is neutral and non-polar, at codon 490 of the NGLY1 protein (p.Ser490Phe). This variant is present in population databases (rs144262689, gnomAD 0.04%). This variant has not been reported in the literature in individuals affected with NGLY1-related conditions. ClinVar contains an entry for this variant (Variation ID: 474211). Invitae Evidence Modeling of protein sequence and biophysical properties (such as structural, functional, and spatial information, amino acid conservation, physicochemical variation, residue mobility, and thermodynamic stability) has been performed for this missense variant. However, the output from this modeling did not meet the statistical confidence thresholds required to predict the impact of this variant on NGLY1 protein function. In summary, the available evidence is currently insufficient to determine the role of this variant in disease. Therefore, it has been classified as a Variant of Uncertain Significance.

Revvity Omics, Revvity
Classification: Uncertain significance for Congenital disorder of deglycosylation 1. Last evaluated: 2020-11-16. Review status: criteria provided, single submitter. Criteria: ACMG Guidelines, 2015. Collection method: clinical testing. Allele origin: germline.

Fulgent Genetics
Classification: Uncertain significance for Congenital disorder of deglycosylation 1. Last evaluated: 2018-10-31. Review status: criteria provided, single submitter. Criteria: ACMG Guidelines, 2015. Collection method: clinical testing. Allele origin: unknown.